The following is an entry in ClinVar:

NM_021116.4(ADCY1):c.2132C>T (p.Ser711Leu)

Gene: ADCY1 (adenylate cyclase 1; plus strand). Cytogenetic location: 7p12.3.
Variant type: single nucleotide variant.
Coding change: c.2132C>T on transcript NM_021116.4 (MANE Select); coding-DNA position 2132, C replaced by T.
Protein change: p.Ser711Leu; replaces serine 711 with leucine.
Molecular consequence: missense variant.
Genome position (GRCh38, 1-based): chr7:45,686,020, C>T. VCF-style: chr7-45686020-C-T. GRCh37 (hg19) VCF-style: chr7-45725619-C-T.
Other names: short protein forms S711L.
Identifiers: ClinVar variation 2974813 (VCV002974813.3), dbSNP rs372552814, ClinGen allele CA4249156.
Genomic context (GRCh38, chr7:45,686,020, plus strand): 5'-AGGTGGGCTGCCTGCCTTGGGCCTGGAGCTCCAAGCCCAACAGTTCCCTGGTGGTCCTTT[C>T]GTCTGGGGGCCAGCGCACAGCCCTGCCCACCCTGCCCTGCGAGTCTACACACCATGCCCT-3'
Protein context (NP_066939.1, residues 701-721): SKPNSSLVVL[Ser711Leu]SGGQRTALPT

ClinVar aggregate classification (germline): Uncertain significance (1 of 4 stars; one submission).

Allele frequency attached by ClinVar (database versions not stated): gnomAD exomes below 0.00001; ExAC 0.00001; TOPMed 0.00001; ESP Exome Variant Server 0.00008.

Submission:

Labcorp Genetics (formerly Invitae), Labcorp
Classification: Uncertain significance. Last evaluated: 2023-06-27. Review status: criteria provided, single submitter. Criteria: Invitae Variant Classification Sherloc (09022015). Collection method: clinical testing. Allele origin: germline.
Comment: In summary, the available evidence is currently insufficient to determine the role of this variant in disease. Therefore, it has been classified as a Variant of Uncertain Significance. Advanced modeling of protein sequence and biophysical properties (such as structural, functional, and spatial information, amino acid conservation, physicochemical variation, residue mobility, and thermodynamic stability) performed at Invitae indicates that this missense variant is not expected to disrupt ADCY1 protein function. This variant has not been reported in the literature in individuals affected with ADCY1-related conditions. The frequency data for this variant in the population databases is considered unreliable, as metrics indicate poor data quality at this position in the gnomAD database. This sequence change replaces serine, which is neutral and polar, with leucine, which is neutral and non-polar, at codon 711 of the ADCY1 protein (p.Ser711Leu).